The following is an entry in ClinVar:

NM_004360.5(CDH1):c.-8G>C

Gene: CDH1 (cadherin 1; plus strand). Cytogenetic location: 16q22.1.
Variant type: single nucleotide variant.
Coding change: c.-8G>C on transcript NM_004360.5 (MANE Select); 8 bases upstream of the start codon, G replaced by C.
Molecular consequence: 5 prime UTR variant.
Genome position (GRCh38, 1-based): chr16:68,737,408, G>C. VCF-style: chr16-68737408-G-C. GRCh37 (hg19) VCF-style: chr16-68771311-G-C.
Other names: c.-8G>C (LRG_301t1, NM_001317184.2); c.-1623G>C (NM_001317185.2); c.-1827G>C (NM_001317186.2).
Identifiers: ClinVar variation 517866 (VCV000517866.9), dbSNP rs879449703, ClinGen allele CA658798615.

ClinVar aggregate classification (germline): Conflicting classifications of pathogenicity. Review status: criteria provided, conflicting classifications (1 of 4 stars). 3 submissions from 3 submitters: Uncertain significance (2); Likely benign (1). Last evaluated 2025-01-02.

Conditions:
Hereditary cancer-predisposing syndrome. Also called: Tumor predisposition; Hereditary neoplastic syndrome; Neoplastic Syndromes, Hereditary; Hereditary Cancer Syndrome. Identifiers: Orphanet 140162, MedGen C0027672, MeSH D009386, MONDO:0015356.

gnomAD v4.1: 3 of 1,531,074 alleles (0.0002%); highest among the groups gnomAD compares: Admixed American, 0.0059%; no homozygotes.

Submissions (3):

Quest Diagnostics Nichols Institute San Juan Capistrano
Classification: Uncertain significance. Last evaluated: 2025-01-02. Review status: criteria provided, single submitter. Criteria: Quest Diagnostics criteria. Collection method: clinical testing. Allele origin: unknown.
Comment: The CDH1 c.-8G>C variant has not been reported in individuals with CDH1-related conditions in the published literature. The frequency of this variant in the general population (Genome Aggregation Database) is uninformative in the assessment of its pathogenicity. Based on the available information, we are unable to determine the clinical significance of this variant.

Color Diagnostics, LLC DBA Color Health
Classification: Uncertain significance for Hereditary cancer-predisposing syndrome. Last evaluated: 2024-01-08. Review status: criteria provided, single submitter. Criteria: ACMG Guidelines, 2015. Collection method: clinical testing. Allele origin: germline.
Comment: This variant is located at the -8 position in the 5' untranslated region of the CDH1 gene. To our knowledge, RNA expression studies have not been reported for this variant. This variant has not been reported in individuals affected with CDH1-related disorders in the literature. This variant has not been identified in the general population by the Genome Aggregation Database (gnomAD). The available evidence is insufficient to determine the role of this variant in disease conclusively. Therefore, this variant is classified as a Variant of Uncertain Significance.

GeneDx
Classification: Likely benign. Last evaluated: 2017-07-12. Review status: criteria provided, single submitter. Criteria: GeneDx Variant Classification (06012015). Collection method: clinical testing. Allele origin: germline. Affected: yes.
Comment: This variant is considered likely benign or benign based on one or more of the following criteria: it is a conservative change, it occurs at a poorly conserved position in the protein, it is predicted to be benign by multiple in silico algorithms, and/or has population frequency not consistent with disease.